The following is an entry in ClinVar:

NM_001134831.2(AHI1):c.2156A>G (p.Asp719Gly)

Gene: AHI1 (Abelson helper integration site 1; minus strand). Cytogenetic location: 6q23.3.
Variant type: single nucleotide variant.
Coding change: c.2156A>G on transcript NM_001134831.2 (MANE Select); coding-DNA position 2156, A replaced by G.
Protein change: p.Asp719Gly; replaces aspartic acid 719 with glycine.
Molecular consequence: missense variant.
Genome position (GRCh38, 1-based): chr6:135,433,137, T>C on the plus strand (A>G on the coding strand, the complement: AHI1 is on the minus strand). VCF-style: chr6-135433137-T-C. GRCh37 (hg19) VCF-style: chr6-135754275-T-C.
Other names: c.2156A>G, p.Asp719Gly (NM_001134830.2, NM_001134832.2, NM_001350503.2 and 2 more transcripts); short protein forms D719G.
Identifiers: ClinVar variation 217530 (VCV000217530.2), dbSNP rs863225134, ClinGen allele CA279368.

ClinVar aggregate classification (germline): Pathogenic/Likely pathogenic. Review status: criteria provided, multiple submitters, no conflicts (2 of 4 stars). 2 submissions from 2 submitters: Pathogenic (1); Likely pathogenic (1). Last evaluated 2016-02-10.

Conditions:
Joubert syndrome 3 (JBTS3). Also called: AHI1-related Ciliopathy. Identifiers: Orphanet 220493, MedGen C1837713, MONDO:0012078, OMIM 608629.

Submissions (2):

GeneDx
Classification: Likely pathogenic. Last evaluated: 2016-02-10. Review status: criteria provided, single submitter. Criteria: GeneDx Variant Classification (06012015). Collection method: clinical testing. Allele origin: germline. Affected: yes.
Comment: The D719G variant has been reported previously as a homozygous variant in two siblings with Joubert syndrome and was classified as presumed causal for these individuals (Bachmann-Gagescu et al., 2015; Parisi et al., 2006). Missense variants in nearby residues (R723Q and W725R) have also been reported in the Human Gene Mutation Database in association with Joubert syndrome (Stenson et al., 2014). The D719G variant was not observed in approximately 6,000 individuals of European and African American ancestry in the NHLBI Exome Sequencing Project, indicating it is not a common benign variant in these populations. This variant is a non-conservative amino acid substitution, which is likely to impact secondary protein structure as these residues differ in polarity, charge, size and/or other properties. This substitution occurs at a position that is conserved across species. However, in silico analysis is inconsistent in its predictions as to whether or not the D719G variant is damaging to the protein structure/function. Therefore, this variant is likely pathogenic; however, the possibility that it is benign cannot be excluded.

UW Hindbrain Malformation Research Program, University of Washington
Classification: Pathogenic for Joubert syndrome 3. Last evaluated: 2015-02-23. Review status: criteria provided, single submitter. Criteria: Bachmann-Gagescu et al. (J Med Genet. 2015). Collection method: research. Allele origin: unknown. Affected: yes.